The following is an entry in ClinVar:

NM_000218.3(KCNQ1):c.906G>A (p.Ala302=)

Gene: KCNQ1 (potassium voltage-gated channel subfamily Q member 1; plus strand). Cytogenetic location: 11p15.5.
Variant type: single nucleotide variant.
Coding change: c.906G>A on transcript NM_000218.3 (MANE Select); coding-DNA position 906, G replaced by A.
Protein change: p.Ala302=; no amino-acid change (alanine 302 retained).
Molecular consequence: synonymous variant. On other transcripts: intron variant (1).
Genome position (GRCh38, 1-based): chr11:2,572,971, G>A. VCF-style: chr11-2572971-G-A. GRCh37 (hg19) VCF-style: chr11-2594201-G-A.
Other names: c.906G>A, p.Ala302= (NM_001406836.1); c.636G>A, p.Ala212= (NM_001406837.1); c.525G>A, p.Ala175= (NM_181798.2); c.478-10464G>A (NM_001406838.1).
Identifiers: ClinVar variation 922096 (VCV000922096.43), dbSNP rs200762150, ClinGen allele CA041359.

ClinVar aggregate classification (germline): Likely benign. Review status: criteria provided, multiple submitters, no conflicts (2 of 4 stars). 6 submissions from 6 submitters: Likely benign (6). Last evaluated 2026-07-01.

Conditions:
Cardiovascular phenotype. Identifiers: MedGen CN230736.
Cardiac arrhythmia. Also called: Arrhythmia; Cardiac rhythm disease. Identifiers: MedGen C0003811, MONDO:0007263, HP:0011675.
Long QT syndrome (LQTS). Identifiers: MedGen C0023976, MeSH D008133, MONDO:0002442. Disease mechanism: loss of function. Inheritance: Various modes of inheritance.

Allele frequency attached by ClinVar (database versions not stated): ESP Exome Variant Server 0.00015; 1000 Genomes Project 30x 0.00016.
gnomAD v4.1: 14 of 1,613,620 alleles (0.00087%); highest among the groups gnomAD compares: African/African-American, 0.0027%; no homozygotes.

Submissions (6):

CeGaT Center for Human Genetics Tuebingen
Classification: Likely benign. Last evaluated: 2026-07-01. Review status: criteria provided, single submitter. Criteria: CeGaT Center For Human Genetics Tuebingen Variant Classification Criteria Version 2. Collection method: clinical testing. Allele origin: germline. Affected: yes. Observed: 2 variant alleles.
Comment: KCNQ1: BP4, BP7

Labcorp Genetics (formerly Invitae), Labcorp
Classification: Likely benign for Long QT syndrome. Last evaluated: 2026-01-18. Review status: criteria provided, single submitter. Criteria: Invitae Variant Classification Sherloc (09022015). Collection method: clinical testing. Allele origin: germline.

Ambry Genetics
Classification: Likely benign for Cardiovascular phenotype. Last evaluated: 2025-06-17. Review status: criteria provided, single submitter. Criteria: Ambry Variant Classification Scheme 2023. Collection method: clinical testing. Allele origin: germline.

All of Us Research Program, National Institutes of Health
Classification: Likely benign for Long QT syndrome. Last evaluated: 2024-08-30. Review status: criteria provided, single submitter. Criteria: ACMG Guidelines, 2015. Collection method: clinical testing. Allele origin: germline. Inheritance: Autosomal dominant inheritance. Observed: 5 variant alleles, 5 heterozygotes.
Comment: This study involves interpretation of variants in research participants for the purpose of population health screening. Participant phenotype was not available at the time of variant classification. Additional details can be found in publication PMID: 35346344, PMCID: PMC8962531

Blueprint Genetics
Classification: Likely benign. Last evaluated: 2021-07-19. Review status: criteria provided, single submitter. Criteria: ACMG Guidelines, 2015. Collection method: clinical testing. Allele origin: germline.

Color Diagnostics, LLC DBA Color Health
Classification: Likely benign for Arrhythmia. Last evaluated: 2019-10-01. Review status: criteria provided, single submitter. Criteria: ACMG Guidelines, 2015. Collection method: clinical testing. Allele origin: germline.